The following is an entry in ClinVar:

ClinVar aggregate classification (germline): Uncertain significance (1 of 4 stars; one submission).

Conditions:
Familial thoracic aortic aneurysm and aortic dissection (TAAD). Also called: Thoracic aortic aneurysms and dissections. Identifiers: Orphanet 91387, MedGen C4707243, MONDO:0019625.

Submission:

Labcorp Genetics (formerly Invitae), Labcorp
Classification: Uncertain significance for Familial thoracic aortic aneurysm and aortic dissection. Last evaluated: 2024-01-18. Review status: criteria provided, single submitter. Criteria: Invitae Variant Classification Sherloc (09022015). Collection method: clinical testing. Allele origin: germline.
Comment: This sequence change replaces methionine, which is neutral and non-polar, with leucine, which is neutral and non-polar, at codon 441 of the TGFBR1 protein (p.Met441Leu). This variant is not present in population databases (gnomAD no frequency). This variant has not been reported in the literature in individuals affected with TGFBR1-related conditions. Advanced modeling of protein sequence and biophysical properties (such as structural, functional, and spatial information, amino acid conservation, physicochemical variation, residue mobility, and thermodynamic stability) performed at Invitae indicates that this missense variant is expected to disrupt TGFBR1 protein function with a positive predictive value of 80%. In summary, the available evidence is currently insufficient to determine the role of this variant in disease. Therefore, it has been classified as a Variant of Uncertain Significance.

NM_004612.4(TGFBR1):c.1321A>C (p.Met441Leu)

Gene: TGFBR1 (transforming growth factor beta receptor 1; plus strand). Cytogenetic location: 9q22.33.
Variant type: single nucleotide variant.
Coding change: c.1321A>C on transcript NM_004612.4 (MANE Select); coding-DNA position 1321, A replaced by C.
Protein change: p.Met441Leu; replaces methionine 441 with leucine.
Molecular consequence: missense variant. On other transcripts: non-coding transcript variant (4).
Genome position (GRCh38, 1-based): chr9:99,147,719, A>C. VCF-style: chr9-99147719-A-C. GRCh37 (hg19) VCF-style: chr9-101910001-A-C.
Other names: c.1090A>C, p.Met364Leu (NM_001130916.3, NM_001407435.1); c.1333A>C, p.Met445Leu (NM_001306210.2); c.1165A>C, p.Met389Leu (NM_001407416.1); c.1153A>C, p.Met385Leu (NM_001407417.1); c.1126A>C, p.Met376Leu (NM_001407418.1, NM_001407419.1, NM_001407420.1 and 1 more transcripts); c.1114A>C, p.Met372Leu (NM_001407423.1, NM_001407424.1, NM_001407425.1 and 8 more transcripts); c.1075A>C, p.Met359Leu (NM_001407436.1); c.613A>C, p.Met205Leu (NM_001407437.1); and 1 more; short protein forms M282L, M372L, M376L, M389L, M445L, M385L, M441L, M205L.
Identifiers: ClinVar variation 2710005 (VCV002710005.3), dbSNP rs2490259667, ClinGen allele CA374233375.